The following is an entry in ClinVar:

NM_198407.2(GHSR):c.176C>T (p.Ala59Val)

Gene: GHSR (growth hormone secretagogue receptor; minus strand). Cytogenetic location: 3q26.31.
Variant type: single nucleotide variant.
Coding change: c.176C>T on transcript NM_198407.2 (MANE Select); coding-DNA position 176, C replaced by T.
Protein change: p.Ala59Val; replaces alanine 59 with valine.
Molecular consequence: missense variant.
Genome position (GRCh38, 1-based): chr3:172,448,238, G>A on the plus strand (C>T on the coding strand, the complement: GHSR is on the minus strand). VCF-style: chr3-172448238-G-A. GRCh37 (hg19) VCF-style: chr3-172166028-G-A.
Other names: c.176C>T, p.Ala59Val (NM_004122.2); short protein forms A59V.
Identifiers: ClinVar variation 5008614 (VCV005008614.1).
Genomic context (GRCh38, chr3:172,448,238, plus strand): 5'-TTGGTGGTGGTGCGCAGCTCGCGGAAGCGCGACACCACCAGCATGGTGAGCAGGTTGCCA[G>A]CGATGCCCACCACGAAGAGTGCCACGCAGGTGGCTGTGACGCCCGCCAGCAGCGGCGCGG-3'
Protein context (NP_940799.1, residues 49-69): TCVALFVVGI[Ala59Val]GNLLTMLVVS

ClinVar aggregate classification (germline): Uncertain significance (1 of 4 stars; one submission).

gnomAD v4.1: 2 of 1,614,032 alleles (0.00012%); highest among the groups gnomAD compares: Admixed American, 0.0033%; no homozygotes.

Submission:

GeneDx
Classification: Uncertain significance. Last evaluated: 2026-03-08. Review status: criteria provided, single submitter. Criteria: GeneDx Variant Classification Process June 2021. Collection method: clinical testing. Allele origin: germline.
Comment: In silico analysis suggests that this missense variant does not alter protein structure/function; Has not been previously published as pathogenic or benign to our knowledge